The following is an entry in ClinVar:

ClinVar aggregate classification (germline): Pathogenic. Review status: criteria provided, single submitter (1 of 4 stars). 2 submissions from 2 submitters: Pathogenic (1). 1 of the submissions does not count toward it. Last evaluated 2023-10-13.

Conditions:
Ehlers-Danlos syndrome, type 4 (EDSVASC). Also called: Ehlers-Danlos syndrome vascular type; Ehlers Danlos syndrome, ecchymotic type; Ehlers Danlos syndrome, arterial type; Ehlers Danlos syndrome, Sack-Barabas type; Ehlers-Danlos Syndrome Type IV. Identifiers: Orphanet 286, MedGen C0268338, MONDO:0017314, OMIM 130050.

Submissions (2):

Labcorp Genetics (formerly Invitae), Labcorp
Classification: Pathogenic for Ehlers-Danlos syndrome, type 4. Last evaluated: 2023-10-13. Review status: criteria provided, single submitter. Criteria: Invitae Variant Classification Sherloc (09022015). Collection method: clinical testing. Allele origin: germline.
Comment: This sequence change replaces glycine, which is neutral and non-polar, with aspartic acid, which is acidic and polar, at codon 234 of the COL3A1 protein (p.Gly234Asp). This variant is not present in population databases (gnomAD no frequency). This missense change has been observed in individual(s) with clinical features of COL3A1-related conditions (PMID: 24922459; Invitae). In at least one individual the variant was observed to be de novo. ClinVar contains an entry for this variant (Variation ID: 101399). Advanced modeling of protein sequence and biophysical properties (such as structural, functional, and spatial information, amino acid conservation, physicochemical variation, residue mobility, and thermodynamic stability) performed at Invitae indicates that this missense variant is expected to disrupt COL3A1 protein function. This variant disrupts the triple helix domain of COL3A1. Glycine residues within the Gly-Xaa-Yaa repeats of the triple helix domain are required for the structure and stability of fibrillar collagens (PMID: 7695699, 8218237, 19344236). In COL3A1, variants that affect these glycine residues are significantly enriched in individuals with disease (PMID: 24922459, 25758994) compared to the general population (ExAC). For these reasons, this variant has been classified as Pathogenic.

Collagen Diagnostic Laboratory, University of Washington
Classification: Pathogenic for Ehlers-Danlos syndrome, type 4. Review status: no assertion criteria provided. Collection method: clinical testing. Allele origin: germline. Affected: yes. Not counted in ClinVar's aggregate classification.

Literature cited by the submitters: PubMed 24922459 (cited by Labcorp Genetics (formerly Invitae), Labcorp); PubMed 7695699 (cited by Labcorp Genetics (formerly Invitae), Labcorp); PubMed 8218237 (cited by Labcorp Genetics (formerly Invitae), Labcorp); PubMed 19344236 (cited by Labcorp Genetics (formerly Invitae), Labcorp); PubMed 25758994 (cited by Labcorp Genetics (formerly Invitae), Labcorp).

NM_000090.4(COL3A1):c.701G>A (p.Gly234Asp)

Gene: COL3A1 (collagen type III alpha 1 chain; plus strand). Cytogenetic location: 2q32.2.
Variant type: single nucleotide variant.
Coding change: c.701G>A on transcript NM_000090.4 (MANE Select); coding-DNA position 701, G replaced by A.
Protein change: p.Gly234Asp; replaces glycine 234 with aspartic acid.
Molecular consequence: missense variant.
Genome position (GRCh38, 1-based): chr2:188,990,106, G>A. VCF-style: chr2-188990106-G-A. GRCh37 (hg19) VCF-style: chr2-189854832-G-A.
Identifiers: ClinVar variation 101399 (VCV000101399.10), dbSNP rs587779656, ClinGen allele CA007294.